The following is an entry in ClinVar:

ClinVar aggregate classification (germline): Uncertain significance (1 of 4 stars; one submission).

Allele frequency attached by ClinVar (database versions not stated): gnomAD exomes below 0.00001; ExAC 0.00001.
gnomAD v4.1: 3 of 1,614,098 alleles (0.00019%); highest among the groups gnomAD compares: Non-Finnish European, 0.00025%; no homozygotes.

Submission:

Labcorp Genetics (formerly Invitae), Labcorp
Classification: Uncertain significance. Last evaluated: 2025-09-02. Review status: criteria provided, single submitter. Criteria: Invitae Variant Classification Sherloc (09022015). Collection method: clinical testing. Allele origin: germline.
Comment: This sequence change replaces glutamic acid, which is acidic and polar, with glutamine, which is neutral and polar, at codon 49 of the C8orf37 protein (p.Glu49Gln). This variant is present in population databases (rs775053272, gnomAD 0.0009%). This variant has not been reported in the literature in individuals affected with C8orf37-related conditions. ClinVar contains an entry for this variant (Variation ID: 2913403). An algorithm developed to predict the effect of missense changes on protein structure and function (PolyPhen-2) suggests that this variant is likely to be tolerated. In summary, the available evidence is currently insufficient to determine the role of this variant in disease. Therefore, it has been classified as a Variant of Uncertain Significance.

NM_177965.4(CFAP418):c.145G>C (p.Glu49Gln)

Genes: CFAP418 (cilia and flagella associated protein 418; minus strand), CFAP418-AS1 (CFAP418 antisense RNA 1; plus strand), LOC130000784 (ATAC-STARR-seq lymphoblastoid active region 27655; plus strand). Cytogenetic location: 8q22.1.
Variant type: single nucleotide variant.
Coding change: c.145G>C on transcript NM_177965.4 (MANE Select); coding-DNA position 145, G replaced by C.
Protein change: p.Glu49Gln; replaces glutamic acid 49 with glutamine.
Molecular consequence: missense variant.
Genome position (GRCh38, 1-based): chr8:95,269,045, C>G on the plus strand (G>C on the coding strand, the complement: CFAP418 is on the minus strand). VCF-style: chr8-95269045-C-G. GRCh37 (hg19) VCF-style: chr8-96281273-C-G.
Other names: c.145G>C, p.Glu49Gln (NM_001363260.1); short protein forms E49Q.
Identifiers: ClinVar variation 2913403 (VCV002913403.3), dbSNP rs775053272, ClinGen allele CA4815259.
Genomic context (GRCh38, chr8:95,269,045, plus strand): 5'-GCCTGGAGCAGGGCTTTACCAGAACAGTCCACCCCTCCCGCCCGGTTAACCTGAGCGTCT[C>G]TTTCGCCTTGGCTTGGTTCCGGTCGCTACTGTGGGTGCCGCCGCCGCAGCCTTTGGGCTG-3'
Protein context (NP_808880.1, residues 39-59): SSDRNQAKAK[Glu49Gln]TLRSTETFKK